The following is an entry in ClinVar:

NM_003036.4(SKI):c.1863C>T (p.Ala621=)

Gene: SKI (SKI proto-oncogene; plus strand). Cytogenetic location: 1p36.32.
Variant type: single nucleotide variant.
Coding change: c.1863C>T on transcript NM_003036.4 (MANE Select); coding-DNA position 1863, C replaced by T.
Protein change: p.Ala621=; no amino-acid change (alanine 621 retained).
Molecular consequence: synonymous variant.
Genome position (GRCh38, 1-based): chr1:2,306,115, C>T. VCF-style: chr1-2306115-C-T. GRCh37 (hg19) VCF-style: chr1-2237554-C-T.
Identifiers: ClinVar variation 384451 (VCV000384451.14), dbSNP rs200702159, ClinGen allele CA536823.

ClinVar aggregate classification (germline): Likely benign. Review status: criteria provided, multiple submitters, no conflicts (2 of 4 stars). 4 submissions from 4 submitters: Likely benign (4). Last evaluated 2025-09-06.

Conditions:
Shprintzen-Goldberg syndrome (SGS). Also called: Marfanoid disorder with craniosynostosis type 1; Marfanoid craniosynostosis syndrome; Shprintzen-Goldberg marfanoid syndrome; SHPRINTZEN-GOLDBERG CRANIOSYNOSTOSIS SYNDROME; CRANIOSYNOSTOSIS WITH ARACHNODACTYLY AND ABDOMINAL HERNIAS. Identifiers: Orphanet 2462, MedGen C1321551, MONDO:0008426, OMIM 182212.
Familial thoracic aortic aneurysm and aortic dissection (TAAD). Also called: Thoracic aortic aneurysms and dissections. Identifiers: Orphanet 91387, MedGen C4707243, MONDO:0019625.

Allele frequency attached by ClinVar (database versions not stated): TOPMed 0.00002; 1000 Genomes Project 30x 0.00016; 1000 Genomes Project 0.00020.
gnomAD v4.1: 36 of 1,598,518 alleles (0.0023%); highest among the groups gnomAD compares: Non-Finnish European, 0.003%; no homozygotes.

Submissions (4):

Labcorp Genetics (formerly Invitae), Labcorp
Classification: Likely benign for Shprintzen-Goldberg syndrome. Last evaluated: 2025-09-06. Review status: criteria provided, single submitter. Criteria: Invitae Variant Classification Sherloc (09022015). Collection method: clinical testing. Allele origin: germline.

Ambry Genetics
Classification: Likely benign for Familial thoracic aortic aneurysm and aortic dissection. Last evaluated: 2023-05-30. Review status: criteria provided, single submitter. Criteria: Ambry Variant Classification Scheme 2023. Collection method: clinical testing. Allele origin: germline.

Blueprint Genetics
Classification: Likely benign. Last evaluated: 2022-10-28. Review status: criteria provided, single submitter. Criteria: ACMG Guidelines, 2015. Collection method: clinical testing. Allele origin: germline.

GeneDx
Classification: Likely benign. Last evaluated: 2017-06-01. Review status: criteria provided, single submitter. Criteria: GeneDx Variant Classification (06012015). Collection method: clinical testing. Allele origin: germline. Affected: yes.
Comment: This variant is considered likely benign or benign based on one or more of the following criteria: it is a conservative change, it occurs at a poorly conserved position in the protein, it is predicted to be benign by multiple in silico algorithms, and/or has population frequency not consistent with disease.